The following is an entry in ClinVar:

NM_000199.5(SGSH):c.716A>G (p.Gln239Arg)

Gene: SGSH (N-sulfoglucosamine sulfohydrolase; minus strand). Cytogenetic location: 17q25.3.
Variant type: single nucleotide variant.
Coding change: c.716A>G on transcript NM_000199.5 (MANE Select); coding-DNA position 716, A replaced by G.
Protein change: p.Gln239Arg; replaces glutamine 239 with arginine.
Molecular consequence: missense variant. On other transcripts: non-coding transcript variant (1).
Genome position (GRCh38, 1-based): chr17:80,213,833, T>C on the plus strand (A>G on the coding strand, the complement: SGSH is on the minus strand). VCF-style: chr17-80213833-T-C. GRCh37 (hg19) VCF-style: chr17-78187632-T-C.
Other names: c.716A>G, p.Gln239Arg (NM_001352921.3, NM_001352922.2); c.716A>G (NM_000199.3); short protein forms Q239R.
Identifiers: ClinVar variation 1184569 (VCV001184569.3), dbSNP rs1352066127, ClinGen allele CA401361266.

ClinVar aggregate classification (germline): Likely pathogenic. Review status: criteria provided, single submitter (1 of 4 stars). 2 submissions from 2 submitters: Likely pathogenic (1). 1 of the submissions does not count toward it. Last evaluated 2026-02-24.

Conditions:
Mucopolysaccharidosis, MPS-III-A (MPS3A). Also called: HEPARAN SULFATE SULFATASE DEFICIENCY; SANFILIPPO SYNDROME A; SULFAMIDASE DEFICIENCY; MPS III A; Mucopolysaccharidosis, type IIIA; mucopolysaccharidosis type 3A. Identifiers: Orphanet 581, Orphanet 79269, MedGen C0086647, MONDO:0009655, OMIM 252900.

Allele frequency attached by ClinVar (database versions not stated): gnomAD exomes below 0.00001.
gnomAD v4.1: 1 of 1,608,416 alleles (0.000062%); highest among the groups gnomAD compares: African/African-American, 0.0013%; no homozygotes.

Submissions (2):

GeneDx
Classification: Likely pathogenic. Last evaluated: 2026-02-24. Review status: criteria provided, single submitter. Criteria: GeneDx Variant Classification Process June 2021. Collection method: clinical testing. Allele origin: germline.
Comment: Not observed at significant frequency in large population cohorts (gnomAD); In silico analysis supports that this missense variant has a deleterious effect on protein structure/function; Has not been previously published as pathogenic or benign to our knowledge; This variant is associated with the following publications: (PMID: 34758253)

Genomics England Pilot Project, Genomics England
Classification: Pathogenic for Mucopolysaccharidosis, MPS-III-A. Review status: no assertion criteria provided. Criteria: ACGS Guidelines, 2016. Collection method: clinical testing. Allele origin: germline. Affected: yes. Not counted in ClinVar's aggregate classification.